The following is an entry in ClinVar:

NM_015915.5(ATL1):c.574C>G (p.Leu192Val)

Gene: ATL1 (atlastin GTPase 1; plus strand). Cytogenetic location: 14q22.1.
Variant type: single nucleotide variant.
Coding change: c.574C>G on transcript NM_015915.5 (MANE Select); coding-DNA position 574, C replaced by G.
Protein change: p.Leu192Val; replaces leucine 192 with valine.
Molecular consequence: missense variant.
Genome position (GRCh38, 1-based): chr14:50,595,576, C>G. VCF-style: chr14-50595576-C-G. GRCh37 (hg19) VCF-style: chr14-51062294-C-G.
Other names: c.574C>G, p.Leu192Val (NM_001127713.1, NM_181598.4); short protein forms L192V.
Identifiers: ClinVar variation 2816522 (VCV002816522.4), dbSNP rs2039208042, ClinGen allele CA389668807.

ClinVar aggregate classification (germline): Conflicting classifications of pathogenicity. Review status: criteria provided, conflicting classifications (1 of 4 stars). 2 submissions from 2 submitters: Pathogenic (1); Uncertain significance (1). Last evaluated 2024-07-03.

Conditions:
Hereditary spastic paraplegia 3A (SPG3A). Also called: Spastic paraplegia 3A, autosomal dominant; SPASTIC PARAPLEGIA 3, AUTOSOMAL DOMINANT; FAMILIAL SPASTIC PARAPLEGIA, AUTOSOMAL DOMINANT, 1; SPG3; STRUMPELL DISEASE; Spastic Paraplegia 3A. Identifiers: Orphanet 100984, MedGen C2931355, MONDO:0008437, OMIM 182600.

Submissions (2):

GeneDx
Classification: Pathogenic. Last evaluated: 2024-07-03. Review status: criteria provided, single submitter. Criteria: GeneDx Variant Classification Process June 2021. Collection method: clinical testing. Allele origin: germline. Affected: yes.
Comment: Not observed at significant frequency in large population cohorts (gnomAD); In silico analysis supports that this missense variant has a deleterious effect on protein structure/function; This variant is associated with the following publications: (PMID: 23334294, 34782662)

Labcorp Genetics (formerly Invitae), Labcorp
Classification: Uncertain significance for Hereditary spastic paraplegia 3A. Last evaluated: 2022-11-24. Review status: criteria provided, single submitter. Criteria: Invitae Variant Classification Sherloc (09022015). Collection method: clinical testing. Allele origin: germline.
Comment: This variant is not present in population databases (gnomAD no frequency). In summary, the available evidence is currently insufficient to determine the role of this variant in disease. Therefore, it has been classified as a Variant of Uncertain Significance. Algorithms developed to predict the effect of missense changes on protein structure and function (SIFT, PolyPhen-2, Align-GVGD) all suggest that this variant is likely to be disruptive. This variant has not been reported in the literature in individuals affected with ATL1-related conditions. This sequence change replaces leucine, which is neutral and non-polar, with valine, which is neutral and non-polar, at codon 192 of the ATL1 protein (p.Leu192Val).